The following is an entry in ClinVar:

NM_000038.6(APC):c.7964A>G (p.Glu2655Gly)

Gene: APC (APC regulator of Wnt signaling pathway; plus strand). Cytogenetic location: 5q22.2.
Variant type: single nucleotide variant.
Coding change: c.7964A>G on transcript NM_000038.6 (MANE Select); coding-DNA position 7964, A replaced by G.
Protein change: p.Glu2655Gly; replaces glutamic acid 2655 with glycine.
Molecular consequence: missense variant.
Genome position (GRCh38, 1-based): chr5:112,843,558, A>G. VCF-style: chr5-112843558-A-G. GRCh37 (hg19) VCF-style: chr5-112179255-A-G.
Other names: c.7964A>G, p.Glu2655Gly (NM_001127510.3, NM_001354895.2, NM_001407450.1); c.7910A>G, p.Glu2637Gly (NM_001127511.3); c.8018A>G, p.Glu2673Gly (NM_001354896.2, NM_001407447.1, NM_001407448.1 and 1 more transcripts); c.7994A>G, p.Glu2665Gly (NM_001354897.2); c.7889A>G, p.Glu2630Gly (NM_001354898.2); c.7880A>G, p.Glu2627Gly (NM_001354899.2); c.7841A>G, p.Glu2614Gly (NM_001354900.2); c.7787A>G, p.Glu2596Gly (NM_001354901.2, NM_001407453.1); and 11 more; short protein forms E2526G, E2630G, E2645G, E2648G, E2655G, E2665G, E2683G, E2495G.
Identifiers: ClinVar variation 1761409 (VCV001761409.2), dbSNP rs2149997064, ClinGen allele CA16038626.

ClinVar aggregate classification (germline): Uncertain significance (1 of 4 stars; one submission).

Conditions:
Hereditary cancer-predisposing syndrome. Also called: Neoplastic Syndromes, Hereditary; Tumor predisposition; Hereditary Cancer Syndrome; Hereditary neoplastic syndrome. Identifiers: Orphanet 140162, MedGen C0027672, MeSH D009386, MONDO:0015356.

Submission:

Ambry Genetics
Classification: Uncertain significance for Hereditary cancer-predisposing syndrome. Last evaluated: 2020-03-10. Review status: criteria provided, single submitter. Criteria: Ambry Variant Classification Scheme 2023. Collection method: clinical testing. Allele origin: germline.
Comment: The p.E2655G variant (also known as c.7964A>G), located in coding exon 15 of the APC gene, results from an A to G substitution at nucleotide position 7964. The glutamic acid at codon 2655 is replaced by glycine, an amino acid with similar properties. This amino acid position is highly conserved in available vertebrate species. In addition, in silico predictors for this gene do not accurately predict pathogenicity. Since supporting evidence is limited at this time, the clinical significance of this alteration remains unclear.